The following is an entry in ClinVar:

NM_032802.4(SPPL2A):c.932+4T>G

Gene: SPPL2A (signal peptide peptidase like 2A; minus strand). Cytogenetic location: 15q21.2.
Variant type: single nucleotide variant.
Coding change: c.932+4T>G on transcript NM_032802.4 (MANE Select); 4 bases into the intron after coding-DNA position 932, T replaced by G.
Molecular consequence: intron variant.
Genome position (GRCh38, 1-based): chr15:50,736,097, A>C on the plus strand (T>G on the coding strand, the complement: SPPL2A is on the minus strand). VCF-style: chr15-50736097-A-C. GRCh37 (hg19) VCF-style: chr15-51028294-A-C.
Other names: c.932+4T>G (NM_001438112.1, NM_001438111.1).
Identifiers: ClinVar variation 4714965 (VCV004714965.1).
Genomic context (GRCh38, chr15:50,736,097, plus strand): 5'-TATCAGGGCAAGATAGGAAACAATTCATCCTTAATCTAAAAGCAAATACATTGAGTATTC[A>C]TACCTGTCTTCATTTCGAAACACAGCCCAAACAACAGCTACTGCTATGCACAGTCCAGAG-3'

ClinVar aggregate classification (germline): Uncertain significance (1 of 4 stars; one submission).

Submission:

Labcorp Genetics (formerly Invitae), Labcorp
Classification: Uncertain significance. Last evaluated: 2025-03-12. Review status: criteria provided, single submitter. Criteria: Invitae Variant Classification Sherloc (09022015). Collection method: clinical testing. Allele origin: germline.
Comment: This sequence change falls in intron 8 of the SPPL2A gene. It does not directly change the encoded amino acid sequence of the SPPL2A protein. It affects a nucleotide within the consensus splice site. This variant is not present in population databases (gnomAD no frequency). This variant has not been reported in the literature in individuals affected with SPPL2A-related conditions. Variants that disrupt the consensus splice site are a relatively common cause of aberrant splicing (PMID: 17576681, 9536098). Algorithms developed to predict the effect of sequence changes on RNA splicing suggest that this variant is not likely to affect RNA splicing. In summary, the available evidence is currently insufficient to determine the role of this variant in disease. Therefore, it has been classified as a Variant of Uncertain Significance.

Literature cited by the submitters: PubMed 17576681; PubMed 9536098.